The following is an entry in ClinVar:

ClinVar aggregate classification (germline): Uncertain significance (1 of 4 stars; one submission).

Submission:

Ambry Genetics
Classification: Uncertain significance. Last evaluated: 2025-07-25. Review status: criteria provided, single submitter. Criteria: Ambry Variant Classification Scheme 2023. Collection method: clinical testing. Allele origin: germline.
Comment: The p.I1335M variant (also known as c.4005C>G), located in coding exon 36 of the KIF1B gene, results from a C to G substitution at nucleotide position 4005. The isoleucine at codon 1335 is replaced by methionine, an amino acid with highly similar properties. This amino acid position is highly conserved in available vertebrate species. In addition, this alteration is predicted to be deleterious by in silico analysis. The evidence for this gene-disease relationship is limited; therefore, the clinical significance of this alteration is unclear.

NM_001365951.3(KIF1B):c.4143C>G (p.Ile1381Met)

Gene: KIF1B (kinesin family member 1B; plus strand). Cytogenetic location: 1p36.22.
Variant type: single nucleotide variant.
Coding change: c.4143C>G on transcript NM_001365951.3 (MANE Select); coding-DNA position 4143, C replaced by G.
Protein change: p.Ile1381Met; replaces isoleucine 1381 with methionine.
Molecular consequence: missense variant.
Genome position (GRCh38, 1-based): chr1:10,361,016, C>G. VCF-style: chr1-10361016-C-G. GRCh37 (hg19) VCF-style: chr1-10421074-C-G.
Other names: c.4143C>G, p.Ile1381Met (NM_001365952.1); c.4005C>G, p.Ile1335Met (NM_015074.3); short protein forms I1335M, I1381M.
Identifiers: ClinVar variation 2625679 (VCV002625679.3), dbSNP rs1638407756, ClinGen allele CA338316524.
Genomic context (GRCh38, chr1:10,361,016, plus strand): 5'-GGATAGCTCTCTGCATAACTCCCTTCTTCTGAACCGAGTGACACCCTATGGAGAAAAGAT[C>G]TACATGACCTTGTCGGCCTACCTAGAGGTGAGGAGACTTGGAACTTCAGTTGATGCCAAC-3'
Protein context (NP_001352880.1, residues 1371-1391): LNRVTPYGEK[Ile1381Met]YMTLSAYLEL